The following is an entry in ClinVar:

NM_024753.5(TTC21B):c.2540T>C (p.Leu847Pro)

Gene: TTC21B (tetratricopeptide repeat domain 21B; minus strand). Cytogenetic location: 2q24.3.
Variant type: single nucleotide variant.
Coding change: c.2540T>C on transcript NM_024753.5 (MANE Select); coding-DNA position 2540, T replaced by C.
Protein change: p.Leu847Pro; replaces leucine 847 with proline.
Molecular consequence: missense variant.
Genome position (GRCh38, 1-based): chr2:165,907,706, A>G on the plus strand (T>C on the coding strand, the complement: TTC21B is on the minus strand). VCF-style: chr2-165907706-A-G. GRCh37 (hg19) VCF-style: chr2-166764216-A-G.
Other names: short protein forms L847P.
Identifiers: ClinVar variation 1061251 (VCV001061251.6), dbSNP rs750709791, ClinGen allele CA1941807.

ClinVar aggregate classification (germline): Uncertain significance (1 of 4 stars; one submission).

Conditions:
Nephronophthisis. Also called: Juvenile Nephronophthisis. Identifiers: Orphanet 655, MedGen C0687120, MONDO:0019005, HP:0000090.
Jeune thoracic dystrophy. Also called: Jeune syndrome; Infantile thoracic dystrophy; Thoracic pelvic phalangeal dystrophy; Jeune's syndrome; Chondroectodermal dysplasia-like syndrome; Short-rib thoracic dysplasia. Identifiers: Orphanet 474, MedGen C0265275, MONDO:0018770.

Allele frequency attached by ClinVar (database versions not stated): gnomAD exomes below 0.00001; ExAC 0.00001; gnomAD 0.00001.
gnomAD v4.1: 2 of 1,612,798 alleles (0.00012%); highest among the groups gnomAD compares: Admixed American, 0.0033%; no homozygotes.

Submission:

Labcorp Genetics (formerly Invitae), Labcorp
Classification: Uncertain significance for Jeune thoracic dystrophy; Nephronophthisis. Last evaluated: 2026-02-02. Review status: criteria provided, single submitter. Criteria: Invitae Variant Classification Sherloc (09022015). Collection method: clinical testing. Allele origin: germline.
Comment: This sequence change replaces leucine, which is neutral and non-polar, with proline, which is neutral and non-polar, at codon 847 of the TTC21B protein (p.Leu847Pro). This variant is not present in population databases (gnomAD no frequency). This variant has not been reported in the literature in individuals affected with TTC21B-related conditions. ClinVar contains an entry for this variant (Variation ID: 1061251). Invitae Evidence Modeling of protein sequence and biophysical properties (such as structural, functional, and spatial information, amino acid conservation, physicochemical variation, residue mobility, and thermodynamic stability) indicates that this missense variant is not expected to disrupt TTC21B protein function with a negative predictive value of 95%. In summary, the available evidence is currently insufficient to determine the role of this variant in disease. Therefore, it has been classified as a Variant of Uncertain Significance.